The following is an entry in ClinVar:

ClinVar aggregate classification (germline): Uncertain significance (1 of 4 stars; one submission).

Conditions:
DOCK2 deficiency. Also called: Immunodeficiency 40. Identifiers: Orphanet 447737, MedGen C4225328, MONDO:0014637, OMIM 616433.

Allele frequency attached by ClinVar (database versions not stated): gnomAD exomes below 0.00001.
gnomAD v4.1: 2 of 1,613,800 alleles (0.00012%); highest among the groups gnomAD compares: South Asian, 0.0011%; no homozygotes.

Submission:

Labcorp Genetics (formerly Invitae), Labcorp
Classification: Uncertain significance for DOCK2 deficiency. Last evaluated: 2021-02-10. Review status: criteria provided, single submitter. Criteria: Invitae Variant Classification Sherloc (09022015). Collection method: clinical testing. Allele origin: germline.
Comment: In summary, the available evidence is currently insufficient to determine the role of this variant in disease. Therefore, it has been classified as a Variant of Uncertain Significance. Algorithms developed to predict the effect of missense changes on protein structure and function (SIFT, PolyPhen-2, Align-GVGD) all suggest that this variant is likely to be tolerated, but these predictions have not been confirmed by published functional studies and their clinical significance is uncertain. This variant has not been reported in the literature in individuals with DOCK2-related conditions. This variant is not present in population databases (ExAC no frequency). This sequence change replaces arginine with glutamine at codon 687 of the DOCK2 protein (p.Arg687Gln). The arginine residue is highly conserved and there is a small physicochemical difference between arginine and glutamine.

NM_004946.3(DOCK2):c.2060G>A (p.Arg687Gln)

Gene: DOCK2 (dedicator of cytokinesis 2; plus strand). Cytogenetic location: 5q35.1.
Variant type: single nucleotide variant.
Coding change: c.2060G>A on transcript NM_004946.3 (MANE Select); coding-DNA position 2060, G replaced by A.
Protein change: p.Arg687Gln; replaces arginine 687 with glutamine.
Molecular consequence: missense variant. On other transcripts: non-coding transcript variant (1).
Genome position (GRCh38, 1-based): chr5:169,717,412, G>A. VCF-style: chr5-169717412-G-A. GRCh37 (hg19) VCF-style: chr5-169144416-G-A.
Other names: short protein forms R687Q.
Identifiers: ClinVar variation 1508832 (VCV001508832.6), dbSNP rs1761962774, ClinGen allele CA362109088.